The following is an entry in ClinVar:

NM_001330677.2(TBX15):c.1473A>G (p.Ser491=)

Gene: TBX15 (T-box transcription factor 15; minus strand). Cytogenetic location: 1p12.
Variant type: single nucleotide variant.
Coding change: c.1473A>G on transcript NM_001330677.2 (MANE Select); coding-DNA position 1473, A replaced by G.
Protein change: p.Ser491=; no amino-acid change (serine 491 retained).
Molecular consequence: synonymous variant.
Genome position (GRCh38, 1-based): chr1:118,885,068, T>C on the plus strand (A>G on the coding strand, the complement: TBX15 is on the minus strand). VCF-style: chr1-118885068-T-C. GRCh37 (hg19) VCF-style: chr1-119427691-T-C.
Other names: c.1155A>G, p.Ser385= (NM_152380.3).
Identifiers: ClinVar variation 3053929 (VCV003053929.2), dbSNP rs1181858807, ClinGen allele CA420192170.

ClinVar aggregate classification (germline): Likely benign (0 of 4 stars; one submission).

Conditions:
TBX15-related disorder. Also called: TBX15-related condition.

Allele frequency attached by ClinVar (database versions not stated): gnomAD exomes 0.00001; gnomAD 0.00003; TOPMed 0.00005.
gnomAD v4.1: 15 of 1,613,968 alleles (0.00093%); highest among the groups gnomAD compares: African/African-American, 0.02%; no homozygotes.

Submission:

PreventionGenetics, part of Exact Sciences
Classification: Likely benign for TBX15-related condition. Last evaluated: 2021-12-01. Review status: no assertion criteria provided. Collection method: clinical testing. Allele origin: germline.
Comment: This variant is classified as likely benign based on ACMG/AMP sequence variant interpretation guidelines (Richards et al. 2015 PMID: 25741868, with internal and published modifications).